The following is an entry in ClinVar:

NM_032608.7(MYO18B):c.632C>T (p.Pro211Leu)

Gene: MYO18B (myosin XVIIIB; plus strand). Cytogenetic location: 22q12.1.
Variant type: single nucleotide variant.
Coding change: c.632C>T on transcript NM_032608.7 (MANE Select); coding-DNA position 632, C replaced by T.
Protein change: p.Pro211Leu; replaces proline 211 with leucine.
Molecular consequence: missense variant.
Genome position (GRCh38, 1-based): chr22:25,768,548, C>T. VCF-style: chr22-25768548-C-T. GRCh37 (hg19) VCF-style: chr22-26164515-C-T.
Other names: c.632C>T, p.Pro211Leu (NM_001318245.2); short protein forms P211L.
Identifiers: ClinVar variation 1476132 (VCV001476132.3), dbSNP rs764257264, ClinGen allele CA10159657.

ClinVar aggregate classification (germline): Uncertain significance (1 of 4 stars; one submission).

Allele frequency attached by ClinVar (database versions not stated): gnomAD 0.00001; gnomAD exomes 0.00001; TOPMed 0.00001; ExAC 0.00002.
gnomAD v4.1: 20 of 1,544,262 alleles (0.0013%); highest among the groups gnomAD compares: African/African-American, 0.0028%; no homozygotes.

Submission:

Labcorp Genetics (formerly Invitae), Labcorp
Classification: Uncertain significance. Last evaluated: 2022-07-21. Review status: criteria provided, single submitter. Criteria: Invitae Variant Classification Sherloc (09022015). Collection method: clinical testing. Allele origin: germline.
Comment: This sequence change replaces proline, which is neutral and non-polar, with leucine, which is neutral and non-polar, at codon 211 of the MYO18B protein (p.Pro211Leu). The frequency data for this variant in the population databases is considered unreliable, as metrics indicate poor data quality at this position in the gnomAD database. This variant has not been reported in the literature in individuals affected with MYO18B-related conditions. ClinVar contains an entry for this variant (Variation ID: 1476132). Algorithms developed to predict the effect of missense changes on protein structure and function output the following: SIFT: "Not Available"; PolyPhen-2: "Benign"; Align-GVGD: "Not Available". The leucine amino acid residue is found in multiple mammalian species, which suggests that this missense change does not adversely affect protein function. In summary, the available evidence is currently insufficient to determine the role of this variant in disease. Therefore, it has been classified as a Variant of Uncertain Significance.